The following is an entry in ClinVar:

NM_000285.4(PEPD):c.810G>A (p.Gly270=)

Gene: PEPD (peptidase D; minus strand). Cytogenetic location: 19q13.11.
Variant type: single nucleotide variant.
Coding change: c.810G>A on transcript NM_000285.4 (MANE Select); coding-DNA position 810, G replaced by A.
Protein change: p.Gly270=; no amino-acid change (glycine 270 retained).
Molecular consequence: synonymous variant.
Genome position (GRCh38, 1-based): chr19:33,411,680, C>T on the plus strand (G>A on the coding strand, the complement: PEPD is on the minus strand). VCF-style: chr19-33411680-C-T. GRCh37 (hg19) VCF-style: chr19-33902586-C-T.
Other names: c.687G>A, p.Gly229= (NM_001166056.2); c.618G>A, p.Gly206= (NM_001166057.2).
Identifiers: ClinVar variation 733546 (VCV000733546.13), dbSNP rs79755990, ClinGen allele CA9364128.
Genomic context (GRCh38, chr19:33,411,680, plus strand): 5'-AACCTTGGCCTGGCTGTTCACACACAGAGCCAGGGCCGCTGGCCCTACTTACCACATATC[C>T]CCATTCTGGATCGTTCGGTCGTTGGGAGCTCCGGCGTGTCCGTAGTGTAGCACGGCTGAG-3'
Protein context (NP_000276.2, residues 260-280): GAPNDRTIQN[Gly270=]DMCLFDMGGE

ClinVar aggregate classification (germline): Benign/Likely benign. Review status: criteria provided, multiple submitters, no conflicts (2 of 4 stars). 3 submissions from 3 submitters: Benign (1); Likely benign (1). 1 of the submissions does not count toward it. Last evaluated 2026-01-11.

Conditions:
PEPD-related disorder. Also called: PEPD-related condition.

Allele frequency attached by ClinVar (database versions not stated): gnomAD exomes 0.00011 and 0.00029; ExAC 0.00040; ESP Exome Variant Server 0.00090; TOPMed 0.00126; gnomAD 0.00129 and 0.00138; 1000 Genomes Project 30x 0.00141; 1000 Genomes Project 0.00160.
gnomAD v4.1: 347 of 1,598,906 alleles (0.022%); highest among the groups gnomAD compares: African/African-American, 0.45%; no homozygotes.

Submissions (3):

Labcorp Genetics (formerly Invitae), Labcorp
Classification: Benign. Last evaluated: 2026-01-11. Review status: criteria provided, single submitter. Criteria: Invitae Variant Classification Sherloc (09022015). Collection method: clinical testing. Allele origin: germline.

Blueprint Genetics
Classification: Likely benign. Last evaluated: 2023-03-15. Review status: criteria provided, single submitter. Criteria: ACMG Guidelines, 2015. Collection method: clinical testing. Allele origin: germline.

PreventionGenetics, part of Exact Sciences
Classification: Likely benign for PEPD-related condition. Last evaluated: 2019-06-11. Review status: no assertion criteria provided. Collection method: clinical testing. Allele origin: germline. Not counted in ClinVar's aggregate classification.
Comment: This variant is classified as likely benign based on ACMG/AMP sequence variant interpretation guidelines (Richards et al. 2015 PMID: 25741868, with internal and published modifications).